The following is an entry in ClinVar:

ClinVar aggregate classification (germline): Uncertain significance (1 of 4 stars; one submission).

Submission:

Labcorp Genetics (formerly Invitae), Labcorp
Classification: Uncertain significance. Last evaluated: 2025-11-25. Review status: criteria provided, single submitter. Criteria: Invitae Variant Classification Sherloc (09022015). Collection method: clinical testing. Allele origin: germline.
Comment: This sequence change replaces threonine, which is neutral and polar, with lysine, which is basic and polar, at codon 267 of the ROM1 protein (p.Thr267Lys). This variant is not present in population databases (gnomAD no frequency). This variant has not been reported in the literature in individuals affected with ROM1-related conditions. ClinVar contains an entry for this variant (Variation ID: 1524389). Invitae Evidence Modeling of protein sequence and biophysical properties (such as structural, functional, and spatial information, amino acid conservation, physicochemical variation, residue mobility, and thermodynamic stability) indicates that this missense variant is not expected to disrupt ROM1 protein function with a negative predictive value of 80%. In summary, the available evidence is currently insufficient to determine the role of this variant in disease. Therefore, it has been classified as a Variant of Uncertain Significance.

NM_000327.4(ROM1):c.800C>A (p.Thr267Lys)

Gene: ROM1 (retinal outer segment membrane protein 1; plus strand). Cytogenetic location: 11q12.3.
Variant type: single nucleotide variant.
Coding change: c.800C>A on transcript NM_000327.4 (MANE Select); coding-DNA position 800, C replaced by A.
Protein change: p.Thr267Lys; replaces threonine 267 with lysine.
Molecular consequence: missense variant.
Genome position (GRCh38, 1-based): chr11:62,614,467, C>A. VCF-style: chr11-62614467-C-A. GRCh37 (hg19) VCF-style: chr11-62381939-C-A.
Other names: short protein forms T267K.
Identifiers: ClinVar variation 1524389 (VCV001524389.6), dbSNP rs2134423751, ClinGen allele CA380972683.